The following is an entry in ClinVar:

NM_000051.4(ATM):c.7565A>C (p.Gln2522Pro)

Genes: ATM (ATM serine/threonine kinase; plus strand), C11orf65 (chromosome 11 open reading frame 65; minus strand). Cytogenetic location: 11q22.3.
Variant type: single nucleotide variant.
Coding change: c.7565A>C on transcript NM_000051.4 (MANE Select); coding-DNA position 7565, A replaced by C.
Protein change: p.Gln2522Pro; replaces glutamine 2522 with proline.
Molecular consequence: missense variant. On other transcripts: non-coding transcript variant (1), intron variant (2).
Genome position (GRCh38, 1-based): chr11:108,331,493, A>C. VCF-style: chr11-108331493-A-C. GRCh37 (hg19) VCF-style: chr11-108202220-A-C.
Other names: c.7565A>C, p.Gln2522Pro (NM_001351834.2); c.641-22422T>G (NM_001330368.2); c.*38+3727T>G (NM_001351110.2); short protein forms Q2522P.
Identifiers: ClinVar variation 2103443 (VCV002103443.4), dbSNP rs1555124039, ClinGen allele CA382560738.

ClinVar aggregate classification (germline): Uncertain significance (1 of 4 stars; one submission).

Conditions:
Ataxia-telangiectasia syndrome (AT). Also called: ATAXIA-TELANGIECTASIA, COMPLEMENTATION GROUP A; ATAXIA-TELANGIECTASIA, FRESNO VARIANT; Ataxia-telangiectasia; Ataxia-telangiectasia, complementation group E; LOUIS-BAR SYNDROME; Cerebello-oculocutaneous telangiectasia. Identifiers: Orphanet 100, MedGen C0004135, MONDO:0008840, OMIM 208900.

gnomAD v4.1: 1 of 1,613,576 alleles (0.000062%); no homozygotes.

Submission:

Labcorp Genetics (formerly Invitae), Labcorp
Classification: Uncertain significance for Ataxia-telangiectasia syndrome. Last evaluated: 2025-12-24. Review status: criteria provided, single submitter. Criteria: Invitae Variant Classification Sherloc (09022015). Collection method: clinical testing. Allele origin: germline.
Comment: This sequence change replaces glutamine, which is neutral and polar, with proline, which is neutral and non-polar, at codon 2522 of the ATM protein (p.Gln2522Pro). This variant is not present in population databases (gnomAD no frequency). This variant has not been reported in the literature in individuals affected with ATM-related conditions. ClinVar contains an entry for this variant (Variation ID: 2103443). Invitae Evidence Modeling of protein sequence and biophysical properties (such as structural, functional, and spatial information, amino acid conservation, physicochemical variation, residue mobility, and thermodynamic stability) indicates that this missense variant is expected to disrupt ATM protein function with a positive predictive value of 95%. In summary, the available evidence is currently insufficient to determine the role of this variant in disease. Therefore, it has been classified as a Variant of Uncertain Significance.